The following is an entry in ClinVar:

NM_020975.6(RET):c.1678C>T (p.Pro560Ser)

Gene: RET (ret proto-oncogene; plus strand). Cytogenetic location: 10q11.21.
Variant type: single nucleotide variant.
Coding change: c.1678C>T on transcript NM_020975.6 (MANE Select); coding-DNA position 1678, C replaced by T.
Protein change: p.Pro560Ser; replaces proline 560 with serine.
Molecular consequence: missense variant.
Genome position (GRCh38, 1-based): chr10:43,112,882, C>T. VCF-style: chr10-43112882-C-T. GRCh37 (hg19) VCF-style: chr10-43608330-C-T.
Other names: c.1678C>T, p.Pro560Ser (NM_000323.2, NM_001406743.1, NM_001406744.1 and 6 more transcripts); c.916C>T, p.Pro306Ser (NM_001355216.2); c.1549C>T, p.Pro517Ser (NM_001406761.1, NM_001406762.1, NM_001406764.1 and 1 more transcripts); c.1390C>T, p.Pro464Ser (NM_001406766.1, NM_001406767.1, NM_001406770.1); c.1282C>T, p.Pro428Ser (NM_001406769.1, NM_001406772.1); c.1240C>T, p.Pro414Ser (NM_001406771.1, NM_001406773.1); c.1153C>T, p.Pro385Ser (NM_001406774.1); c.952C>T, p.Pro318Ser (NM_001406775.1, NM_001406776.1, NM_001406777.1 and 1 more transcripts); and 5 more; short protein forms P560S, P306S, P261S, P77S, P230S, P385S, P165S, P218S.
Identifiers: ClinVar variation 220113 (VCV000220113.23), dbSNP rs748852160, ClinGen allele CA035017.

ClinVar aggregate classification (germline): Conflicting classifications of pathogenicity. Review status: criteria provided, conflicting classifications (1 of 4 stars). 8 submissions from 8 submitters: Uncertain significance (6); Benign (1); Likely benign (1). Last evaluated 2026-04-14.

Conditions:
Hereditary cancer. Identifiers: MedGen C1333600.
Hereditary cancer-predisposing syndrome. Also called: Hereditary Cancer Syndrome; Tumor predisposition; Neoplastic Syndromes, Hereditary; Hereditary neoplastic syndrome. Identifiers: Orphanet 140162, MedGen C0027672, MeSH D009386, MONDO:0015356.
Multiple endocrine neoplasia, type 2 (MEN2). Identifiers: Orphanet 653, MedGen C4048306, MONDO:0019003. Disease mechanism: gain of function.
Hirschsprung disease, susceptibility to, 1 (HSCR1). Also called: RET-Related Hirschsprung Disease. Identifiers: Orphanet 388, MedGen C3888239, MONDO:0007723, OMIM 142623.

Allele frequency attached by ClinVar (database versions not stated): ExAC 0.00001; TOPMed 0.00001; gnomAD exomes 0.00002.

Submissions (8):

Ambry Genetics
Classification: Benign for Hereditary cancer-predisposing syndrome. Last evaluated: 2026-04-14. Review status: criteria provided, single submitter. Criteria: Ambry Variant Classification Scheme 2023. Collection method: clinical testing. Allele origin: germline.

Dasa
Classification: Uncertain significance. Last evaluated: 2026-01-30. Review status: criteria provided, single submitter. Criteria: DASA Assertion Criteria. Collection method: clinical testing. Allele origin: germline.
Comment: NM_020975.6(RET):c.1678C>T (p.Pro560Ser) is a missense variant that results in the substitution of proline with serine. This variant is rare in population databases. Computational prediction algorithms are consistent with a deleterious effect. The currently available literature and clinical evidence are not sufficient to establish a definitive association between this variant and the reported condition. Therefore, this variant is classified as a variant of uncertain significance.

Labcorp Genetics (formerly Invitae), Labcorp
Classification: Uncertain significance for Multiple endocrine neoplasia, type 2. Last evaluated: 2025-12-29. Review status: criteria provided, single submitter. Criteria: Invitae Variant Classification Sherloc (09022015). Collection method: clinical testing. Allele origin: germline.
Comment: This sequence change replaces proline, which is neutral and non-polar, with serine, which is neutral and polar, at codon 560 of the RET protein (p.Pro560Ser). This variant is present in population databases (rs748852160, gnomAD 0.009%). This variant has not been reported in the literature in individuals affected with RET-related conditions. ClinVar contains an entry for this variant (Variation ID: 220113). An algorithm developed to predict the effect of missense changes on protein structure and function (PolyPhen-2) suggests that this variant is likely to be tolerated. In summary, the available evidence is currently insufficient to determine the role of this variant in disease. Therefore, it has been classified as a Variant of Uncertain Significance.

Color Diagnostics, LLC DBA Color Health
Classification: Uncertain significance for Multiple endocrine neoplasia, type 2. Last evaluated: 2025-06-02. Review status: criteria provided, single submitter. Criteria: ACMG Guidelines, 2015. Collection method: clinical testing. Allele origin: germline.
Comment: This missense variant replaces proline with serine at codon 560 of the RET protein. Computational prediction is inconclusive regarding the impact of this variant on protein structure and function. To our knowledge, functional studies have not been reported for this variant. This variant has not been reported in individuals affected with RET-related disorders in the literature. This variant has been identified in 4/251308 chromosomes in the general population by the Genome Aggregation Database (gnomAD). The available evidence is insufficient to determine the role of this variant in disease conclusively. Therefore, this variant is classified as a Variant of Uncertain Significance.

GeneDx
Classification: Uncertain significance. Last evaluated: 2024-08-29. Review status: criteria provided, single submitter. Criteria: GeneDx Variant Classification Process June 2021. Collection method: clinical testing. Allele origin: germline. Affected: yes.
Comment: Not observed at significant frequency in large population cohorts (gnomAD); In silico analysis supports that this missense variant has a deleterious effect on protein structure/function; In silico analysis suggests this variant may impact gene splicing. In the absence of RNA/functional studies, the actual effect of this sequence change is unknown.; This variant is associated with the following publications: (PMID: 35264596, 14633923, 25425582)

Mendelics
Classification: Likely benign for Hereditary cancer. Last evaluated: 2024-01-23. Review status: criteria provided, single submitter. Criteria: ACMG Guidelines, 2015. Collection method: clinical testing. Allele origin: unknown.

Baylor Genetics
Classification: Uncertain significance for Hirschsprung disease, susceptibility to, 1. Last evaluated: 2024-01-11. Review status: criteria provided, single submitter. Criteria: ACMG Guidelines, 2015. Collection method: clinical testing. Allele origin: unknown.

Blueprint Genetics
Classification: Uncertain significance. Last evaluated: 2020-09-07. Review status: criteria provided, single submitter. Criteria: ACMG Guidelines, 2015. Collection method: clinical testing. Allele origin: germline.